The following is an entry in ClinVar:

ClinVar aggregate classification (germline): Uncertain significance. Review status: criteria provided, multiple submitters, no conflicts (2 of 4 stars). 2 submissions from 2 submitters: Uncertain significance (2). Last evaluated 2024-09-16.

Conditions:
Hereditary cancer-predisposing syndrome. Also called: Hereditary Cancer Syndrome; Neoplastic Syndromes, Hereditary; Tumor predisposition; Hereditary neoplastic syndrome. Identifiers: Orphanet 140162, MedGen C0027672, MeSH D009386, MONDO:0015356.
Familial adenomatous polyposis 1 (FAP1). Also called: FAMILIAL ADENOMATOUS POLYPOSIS 1, ATTENUATED; POLYPOSIS, ADENOMATOUS INTESTINAL. Identifiers: MedGen C2713442, MONDO:0021056, OMIM 175100. Disease mechanism: loss of function.

Submissions (2):

Ambry Genetics
Classification: Uncertain significance for Hereditary cancer-predisposing syndrome. Last evaluated: 2024-09-16. Review status: criteria provided, single submitter. Criteria: Ambry Variant Classification Scheme 2023. Collection method: clinical testing. Allele origin: germline.
Comment: The p.T2495A variant (also known as c.7483A>G), located in coding exon 15 of the APC gene, results from an A to G substitution at nucleotide position 7483. The threonine at codon 2495 is replaced by alanine, an amino acid with similar properties. This amino acid position is conserved. In addition, in silico predictors for this gene do not accurately predict pathogenicity. Based on the available evidence, the clinical significance of this variant remains unclear.

Labcorp Genetics (formerly Invitae), Labcorp
Classification: Uncertain significance for Familial adenomatous polyposis 1. Last evaluated: 2023-03-19. Review status: criteria provided, single submitter. Criteria: Invitae Variant Classification Sherloc (09022015). Collection method: clinical testing. Allele origin: germline.
Comment: Advanced modeling of protein sequence and biophysical properties (such as structural, functional, and spatial information, amino acid conservation, physicochemical variation, residue mobility, and thermodynamic stability) performed at Invitae indicates that this missense variant is not expected to disrupt APC protein function. In summary, the available evidence is currently insufficient to determine the role of this variant in disease. Therefore, it has been classified as a Variant of Uncertain Significance. This variant has not been reported in the literature in individuals affected with APC-related conditions. This sequence change replaces threonine, which is neutral and polar, with alanine, which is neutral and non-polar, at codon 2495 of the APC protein (p.Thr2495Ala). This variant is not present in population databases (gnomAD no frequency).

NM_000038.6(APC):c.7483A>G (p.Thr2495Ala)

Gene: APC (APC regulator of Wnt signaling pathway; plus strand). Cytogenetic location: 5q22.2.
Variant type: single nucleotide variant.
Coding change: c.7483A>G on transcript NM_000038.6 (MANE Select); coding-DNA position 7483, A replaced by G.
Protein change: p.Thr2495Ala; replaces threonine 2495 with alanine.
Molecular consequence: missense variant. On other transcripts: non-coding transcript variant (2).
Genome position (GRCh38, 1-based): chr5:112,843,077, A>G. VCF-style: chr5-112843077-A-G. GRCh37 (hg19) VCF-style: chr5-112178774-A-G.
Other names: c.7483A>G, p.Thr2495Ala (NM_001127510.3, NM_001354895.2, NM_001407450.1); c.7429A>G, p.Thr2477Ala (NM_001127511.3); c.7537A>G, p.Thr2513Ala (NM_001354896.2, NM_001407447.1, NM_001407448.1 and 1 more transcripts); c.7513A>G, p.Thr2505Ala (NM_001354897.2); c.7408A>G, p.Thr2470Ala (NM_001354898.2); c.7399A>G, p.Thr2467Ala (NM_001354899.2); c.7360A>G, p.Thr2454Ala (NM_001354900.2); c.7306A>G, p.Thr2436Ala (NM_001354901.2, NM_001407453.1); and 12 more; short protein forms T2111A, T2212A, T2335A, T2369A, T2488A, T2523A, T2366A, T2412A.
Identifiers: ClinVar variation 2792114 (VCV002792114.4), dbSNP rs2149988014, ClinGen allele CA16037607.
Genomic context (GRCh38, chr5:112,843,077, plus strand): 5'-ACTAGGTCCCAGGCACAAACTCCAGTTTTAAGTCCTTCCCTTCCTGATATGTCTCTATCC[A>G]CACATTCGTCTGTTCAGGCTGGTGGATGGCGAAAACTCCCACCTAATCTCAGTCCCACTA-3'
Protein context (NP_000029.2, residues 2485-2505): SPSLPDMSLS[Thr2495Ala]HSSVQAGGWR